The following is an entry in ClinVar:

ClinVar aggregate classification (germline): Pathogenic/Likely pathogenic. Review status: criteria provided, multiple submitters, no conflicts (2 of 4 stars). 3 submissions from 3 submitters: Pathogenic (2); Likely pathogenic (1). Last evaluated 2024-03-06.

Conditions:
ACVRL1-related disorder. Also called: ACVRL1-related condition; ACVRL1-related disorders.
Telangiectasia, hereditary hemorrhagic, type 2 (HHT2). Also called: Telangiectasia, hereditary hemorrhagic, type II; ACVRL1-Related Hereditary Hemorrhagic Telangiectasia. Identifiers: Orphanet 774, MedGen C1838163, MONDO:0010880, OMIM 600376. Disease mechanism: loss of function.

Submissions (3):

Labcorp Genetics (formerly Invitae), Labcorp
Classification: Pathogenic for Telangiectasia, hereditary hemorrhagic, type 2. Last evaluated: 2024-03-06. Review status: criteria provided, single submitter. Criteria: Invitae Variant Classification Sherloc (09022015). Collection method: clinical testing. Allele origin: germline.
Comment: This sequence change replaces proline, which is neutral and non-polar, with serine, which is neutral and polar, at codon 424 of the ACVRL1 protein (p.Pro424Ser). This variant is not present in population databases (gnomAD no frequency). This missense change has been observed in individual(s) with ACVRL1-related conditions and/or heredtiary hemorrhagic telangiectasia (PMID: 15712271, 32300199). ClinVar contains an entry for this variant (Variation ID: 439388). Advanced modeling of protein sequence and biophysical properties (such as structural, functional, and spatial information, amino acid conservation, physicochemical variation, residue mobility, and thermodynamic stability) performed at Invitae indicates that this missense variant is expected to disrupt ACVRL1 protein function with a positive predictive value of 95%. This variant disrupts the p.Pro424 amino acid residue in ACVRL1. Other variant(s) that disrupt this residue have been determined to be pathogenic (Invitae). This suggests that this residue is clinically significant, and that variants that disrupt this residue are likely to be disease-causing. For these reasons, this variant has been classified as Pathogenic.

Blueprint Genetics
Classification: Pathogenic for ACVRL1-related disorders. Last evaluated: 2022-09-14. Review status: criteria provided, single submitter. Criteria: ACMG Guidelines, 2015. Collection method: clinical testing. Allele origin: germline. Affected: yes. Observed: 2 variant alleles.

ARUP Laboratories, Molecular Genetics and Genomics, ARUP Laboratories
Classification: Likely pathogenic. Last evaluated: 2016-12-20. Review status: criteria provided, single submitter. Criteria: ARUP Molecular Germline Variant Investigation Process. Collection method: clinical testing. Allele origin: germline.

Literature cited by the submitters: PubMed 15712271 (cited by Labcorp Genetics (formerly Invitae), Labcorp); PubMed 32300199 (cited by Labcorp Genetics (formerly Invitae), Labcorp).

NM_000020.3(ACVRL1):c.1270C>T (p.Pro424Ser)

Gene: ACVRL1 (activin A receptor like type 1; plus strand). Cytogenetic location: 12q13.13.
Variant type: single nucleotide variant.
Coding change: c.1270C>T on transcript NM_000020.3 (MANE Select); coding-DNA position 1270, C replaced by T.
Protein change: p.Pro424Ser; replaces proline 424 with serine.
Molecular consequence: missense variant.
Genome position (GRCh38, 1-based): chr12:51,919,008, C>T. VCF-style: chr12-51919008-C-T. GRCh37 (hg19) VCF-style: chr12-52312792-C-T.
Other names: c.1270C>T, p.Pro424Ser (NM_001077401.2); short protein forms P424S.
Identifiers: ClinVar variation 439388 (VCV000439388.11), dbSNP rs1085307419, ClinGen allele CA384903729.